The following is an entry in ClinVar:

ClinVar aggregate classification (germline): Uncertain significance. Review status: criteria provided, multiple submitters, no conflicts (2 of 4 stars). 2 submissions from 2 submitters: Uncertain significance (2). Last evaluated 2023-12-19.

Allele frequency attached by ClinVar (database versions not stated): gnomAD 0.00001; TOPMed 0.00002.
gnomAD v4.1: 6 of 1,613,530 alleles (0.00037%); highest among the groups gnomAD compares: African/African-American, 0.004%; no homozygotes.

Submissions (2):

Labcorp Genetics (formerly Invitae), Labcorp
Classification: Uncertain significance. Last evaluated: 2023-12-19. Review status: criteria provided, single submitter. Criteria: Invitae Variant Classification Sherloc (09022015). Collection method: clinical testing. Allele origin: germline.
Comment: This sequence change replaces leucine, which is neutral and non-polar, with valine, which is neutral and non-polar, at codon 394 of the CCT2 protein (p.Leu394Val). This variant is present in population databases (no rsID available, gnomAD 0.004%). This variant has not been reported in the literature in individuals affected with CCT2-related conditions. ClinVar contains an entry for this variant (Variation ID: 2242239). An algorithm developed to predict the effect of missense changes on protein structure and function (PolyPhen-2) suggests that this variant is likely to be tolerated. In summary, the available evidence is currently insufficient to determine the role of this variant in disease. Therefore, it has been classified as a Variant of Uncertain Significance.

Ambry Genetics
Classification: Uncertain significance. Last evaluated: 2021-08-10. Review status: criteria provided, single submitter. Criteria: Ambry Variant Classification Scheme 2023. Collection method: clinical testing. Allele origin: germline.

NM_006431.3(CCT2):c.1180C>G (p.Leu394Val)

Gene: CCT2 (chaperonin containing TCP1 subunit 2; plus strand). Cytogenetic location: 12q15.
Variant type: single nucleotide variant.
Coding change: c.1180C>G on transcript NM_006431.3 (MANE Select); coding-DNA position 1180, C replaced by G.
Protein change: p.Leu394Val; replaces leucine 394 with valine.
Molecular consequence: missense variant.
Genome position (GRCh38, 1-based): chr12:69,597,715, C>G. VCF-style: chr12-69597715-C-G. GRCh37 (hg19) VCF-style: chr12-69991495-C-G.
Other names: c.1039C>G, p.Leu347Val (NM_001198842.2); short protein forms L347V, L394V.
Identifiers: ClinVar variation 2242239 (VCV002242239.5), dbSNP rs1486291228, ClinGen allele CA385730774.